The following is an entry in ClinVar:

NM_006031.6(PCNT):c.2782G>C (p.Gly928Arg)

Gene: PCNT (pericentrin; plus strand). Cytogenetic location: 21q22.3.
Variant type: single nucleotide variant.
Coding change: c.2782G>C on transcript NM_006031.6 (MANE Select); coding-DNA position 2782, G replaced by C.
Protein change: p.Gly928Arg; replaces glycine 928 with arginine.
Molecular consequence: missense variant.
Genome position (GRCh38, 1-based): chr21:46,366,756, G>C. VCF-style: chr21-46366756-G-C. GRCh37 (hg19) VCF-style: chr21-47786671-G-C.
Other names: c.2428G>C, p.Gly810Arg (NM_001315529.2); short protein forms G810R, G928R.
Identifiers: ClinVar variation 2013071 (VCV002013071.4), dbSNP rs2518262689, ClinGen allele CA410569348.

ClinVar aggregate classification (germline): Uncertain significance (1 of 4 stars; one submission).

Submission:

Labcorp Genetics (formerly Invitae), Labcorp
Classification: Uncertain significance. Last evaluated: 2025-08-18. Review status: criteria provided, single submitter. Criteria: Invitae Variant Classification Sherloc (09022015). Collection method: clinical testing. Allele origin: germline.
Comment: This sequence change replaces glycine, which is neutral and non-polar, with arginine, which is basic and polar, at codon 928 of the PCNT protein (p.Gly928Arg). This variant is not present in population databases (gnomAD no frequency). This variant has not been reported in the literature in individuals affected with PCNT-related conditions. ClinVar contains an entry for this variant (Variation ID: 2013071). An algorithm developed to predict the effect of missense changes on protein structure and function outputs the following: PolyPhen-2: "Benign". The arginine amino acid residue is found in multiple mammalian species, which suggests that this missense change does not adversely affect protein function. In summary, the available evidence is currently insufficient to determine the role of this variant in disease. Therefore, it has been classified as a Variant of Uncertain Significance.